The following is an entry in ClinVar:

ClinVar aggregate classification (germline): Likely benign. Review status: criteria provided, single submitter (1 of 4 stars). 2 submissions from 2 submitters: Likely benign (1). 1 of the submissions does not count toward it. Last evaluated 2025-11-12.

Conditions:
KPNA7-related disorder. Also called: KPNA7-related condition.

Allele frequency attached by ClinVar (database versions not stated): TOPMed 0.00022; ExAC 0.00023; gnomAD exomes 0.00059 and 0.00010; gnomAD 0.00016 and 0.00011; 1000 Genomes Project 0.00120; 1000 Genomes Project 30x 0.00109.
gnomAD v4.1: 161 of 1,547,702 alleles (0.01%); highest among the groups gnomAD compares: East Asian, 0.37%; 1 homozygote.

Submissions (2):

Labcorp Genetics (formerly Invitae), Labcorp
Classification: Likely benign. Last evaluated: 2025-11-12. Review status: criteria provided, single submitter. Criteria: Invitae Variant Classification Sherloc (09022015). Collection method: clinical testing. Allele origin: germline.

PreventionGenetics, part of Exact Sciences
Classification: Benign for KPNA7-related condition. Last evaluated: 2019-09-18. Review status: no assertion criteria provided. Collection method: clinical testing. Allele origin: germline. Not counted in ClinVar's aggregate classification.
Comment: This variant is classified as benign based on ACMG/AMP sequence variant interpretation guidelines (Richards et al. 2015 PMID: 25741868, with internal and published modifications).

NM_001145715.3(KPNA7):c.202-8T>C

Gene: KPNA7 (karyopherin subunit alpha 7; minus strand). Cytogenetic location: 7q22.1.
Variant type: single nucleotide variant.
Coding change: c.202-8T>C on transcript NM_001145715.3 (MANE Select); 8 bases into the intron before coding-DNA position 202, T replaced by C.
Molecular consequence: intron variant.
Genome position (GRCh38, 1-based): chr7:99,196,174, A>G on the plus strand (T>C on the coding strand, the complement: KPNA7 is on the minus strand). VCF-style: chr7-99196174-A-G. GRCh37 (hg19) VCF-style: chr7-98793797-A-G.
Other names: c.202-8T>C (NM_001145715.2).
Identifiers: ClinVar variation 696526 (VCV000696526.13), dbSNP rs144059555, ClinGen allele CA4363280.